The following is an entry in ClinVar:

NM_032578.4(MYPN):c.104C>T (p.Ala35Val)

Gene: MYPN (myopalladin; plus strand). Cytogenetic location: 10q21.3.
Variant type: single nucleotide variant.
Coding change: c.104C>T on transcript NM_032578.4 (MANE Select); coding-DNA position 104, C replaced by T.
Protein change: p.Ala35Val; replaces alanine 35 with valine.
Molecular consequence: missense variant. On other transcripts: 5 prime UTR variant (1), non-coding transcript variant (1).
Genome position (GRCh38, 1-based): chr10:68,121,542, C>T. VCF-style: chr10-68121542-C-T. GRCh37 (hg19) VCF-style: chr10-69881299-C-T.
Other names: c.104C>T, p.Ala35Val (NM_001256267.2); c.-1019C>T (NM_001256268.2); short protein forms A35V.
Identifiers: ClinVar variation 2159467 (VCV002159467.2), dbSNP rs775961606, ClinGen allele CA5522224.

ClinVar aggregate classification (germline): Uncertain significance (1 of 4 stars; one submission).

Conditions:
Dilated cardiomyopathy 1KK (CMD1KK). Identifiers: Orphanet 154, Orphanet 75249, MedGen C3714995, MONDO:0014100, OMIM 615248.

Allele frequency attached by ClinVar (database versions not stated): ExAC 0.00001.
gnomAD v4.1: 9 of 1,614,132 alleles (0.00056%); highest among the groups gnomAD compares: Non-Finnish European, 0.00076%; no homozygotes.

Submission:

Labcorp Genetics (formerly Invitae), Labcorp
Classification: Uncertain significance for Dilated cardiomyopathy 1KK. Last evaluated: 2025-09-07. Review status: criteria provided, single submitter. Criteria: Invitae Variant Classification Sherloc (09022015). Collection method: clinical testing. Allele origin: germline.
Comment: This sequence change replaces alanine, which is neutral and non-polar, with valine, which is neutral and non-polar, at codon 35 of the MYPN protein (p.Ala35Val). This variant is present in population databases (rs775961606, gnomAD 0.0009%). This variant has not been reported in the literature in individuals affected with MYPN-related conditions. ClinVar contains an entry for this variant (Variation ID: 2159467). An algorithm developed to predict the effect of missense changes on protein structure and function (PolyPhen-2) suggests that this variant is likely to be disruptive. In summary, the available evidence is currently insufficient to determine the role of this variant in disease. Therefore, it has been classified as a Variant of Uncertain Significance.